The following is an entry in ClinVar:

ClinVar aggregate classification (germline): Uncertain significance (1 of 4 stars; one submission).

gnomAD v4.1: 2 of 1,613,340 alleles (0.00012%); highest among the groups gnomAD compares: Non-Finnish European, 0.00017%; no homozygotes.

Submission:

Labcorp Genetics (formerly Invitae), Labcorp
Classification: Uncertain significance. Last evaluated: 2025-06-02. Review status: criteria provided, single submitter. Criteria: Invitae Variant Classification Sherloc (09022015). Collection method: clinical testing. Allele origin: germline.
Comment: This sequence change replaces glycine, which is neutral and non-polar, with aspartic acid, which is acidic and polar, at codon 435 of the CFH protein (p.Gly435Asp). This variant is not present in population databases (gnomAD no frequency). This variant has not been reported in the literature in individuals affected with CFH-related conditions. ClinVar contains an entry for this variant (Variation ID: 1510986). An algorithm developed to predict the effect of missense changes on protein structure and function outputs the following: PolyPhen-2: "Possibly Damaging". The aspartic acid amino acid residue is found in multiple mammalian species, which suggests that this missense change does not adversely affect protein function. In summary, the available evidence is currently insufficient to determine the role of this variant in disease. Therefore, it has been classified as a Variant of Uncertain Significance.

NM_000186.4(CFH):c.1304G>A (p.Gly435Asp)

Gene: CFH (complement factor H; plus strand). Cytogenetic location: 1q31.3.
Variant type: single nucleotide variant.
Coding change: c.1304G>A on transcript NM_000186.4 (MANE Select); coding-DNA position 1304, G replaced by A.
Protein change: p.Gly435Asp; replaces glycine 435 with aspartic acid.
Molecular consequence: missense variant.
Genome position (GRCh38, 1-based): chr1:196,690,207, G>A. VCF-style: chr1-196690207-G-A. GRCh37 (hg19) VCF-style: chr1-196659337-G-A.
Other names: c.1304G>A, p.Gly435Asp (NM_001014975.3); short protein forms G435D.
Identifiers: ClinVar variation 1510986 (VCV001510986.6), dbSNP rs2149088783, ClinGen allele CA343980815.